The following is an entry in ClinVar:

NM_212482.4(FN1):c.2451G>A (p.Thr817=)

Gene: FN1 (fibronectin 1; minus strand). Cytogenetic location: 2q35.
Variant type: single nucleotide variant.
Coding change: c.2451G>A on transcript NM_212482.4 (MANE Select); coding-DNA position 2451, G replaced by A.
Protein change: p.Thr817=; no amino-acid change (threonine 817 retained).
Molecular consequence: synonymous variant.
Genome position (GRCh38, 1-based): chr2:215,408,175, C>T on the plus strand (G>A on the coding strand, the complement: FN1 is on the minus strand). VCF-style: chr2-215408175-C-T. GRCh37 (hg19) VCF-style: chr2-216272898-C-T.
Other names: c.2451G>A, p.Thr817= (NM_001306129.2, NM_001306130.2, NM_001306131.2 and 13 more transcripts).
Identifiers: ClinVar variation 3052927 (VCV003052927.3), dbSNP rs765229420, ClinGen allele CA2094970.

ClinVar aggregate classification (germline): Benign. Review status: criteria provided, single submitter (1 of 4 stars). 2 submissions from 2 submitters: Benign (1). 1 of the submissions does not count toward it. Last evaluated 2025-08-05.

Conditions:
FN1-related disorder. Also called: FN1-related condition.

Allele frequency attached by ClinVar (database versions not stated): ExAC 0.00002; gnomAD exomes 0.00003; gnomAD 0.00005; TOPMed 0.00005.
gnomAD v4.1: 51 of 1,613,806 alleles (0.0032%); highest among the groups gnomAD compares: Admixed American, 0.015%; no homozygotes.

Submissions (2):

Labcorp Genetics (formerly Invitae), Labcorp
Classification: Benign. Last evaluated: 2025-08-05. Review status: criteria provided, single submitter. Criteria: Invitae Variant Classification Sherloc (09022015). Collection method: clinical testing. Allele origin: germline.

PreventionGenetics, part of Exact Sciences
Classification: Likely benign for FN1-related condition. Last evaluated: 2019-08-26. Review status: no assertion criteria provided. Collection method: clinical testing. Allele origin: germline. Not counted in ClinVar's aggregate classification.
Comment: This variant is classified as likely benign based on ACMG/AMP sequence variant interpretation guidelines (Richards et al. 2015 PMID: 25741868, with internal and published modifications).